The following is an entry in ClinVar:

ClinVar aggregate classification (germline): Uncertain significance (1 of 4 stars; one submission).

Submission:

GeneDx
Classification: Uncertain significance. Last evaluated: 2024-01-16. Review status: criteria provided, single submitter. Criteria: GeneDx Variant Classification Process June 2021. Collection method: clinical testing. Allele origin: germline. Affected: yes.
Comment: Not observed at significant frequency in large population cohorts (gnomAD); In silico analysis supports that this missense variant has a deleterious effect on protein structure/function; Has not been previously published as pathogenic or benign to our knowledge

NM_001007553.3(CSDE1):c.1465G>T (p.Val489Phe)

Gene: CSDE1 (cold shock domain containing E1; minus strand). Cytogenetic location: 1p13.2.
Variant type: single nucleotide variant.
Coding change: c.1465G>T on transcript NM_001007553.3 (MANE Select); coding-DNA position 1465, G replaced by T.
Protein change: p.Val489Phe; replaces valine 489 with phenylalanine.
Molecular consequence: missense variant.
Genome position (GRCh38, 1-based): chr1:114,726,386, C>A on the plus strand (G>T on the coding strand, the complement: CSDE1 is on the minus strand). VCF-style: chr1-114726386-C-A. GRCh37 (hg19) VCF-style: chr1-115269007-C-A.
Other names: c.1510G>T, p.Val504Phe (NM_001130523.3); c.1603G>T, p.Val535Phe (NM_001242891.2); c.1465G>T, p.Val489Phe (NM_001242892.2); c.1372G>T, p.Val458Phe (NM_001242893.2, NM_007158.6); short protein forms V458F, V489F, V504F, V535F.
Identifiers: ClinVar variation 3367794 (VCV003367794.1).
Genomic context (GRCh38, chr1:114,726,386, plus strand): 5'-GTCGCACACAAGTTGCAACCTGCTGTCCAGGCCTCTGTTTGTCACTAATACTAAATTCAA[C>A]CTGTGAAAATTAAGGATGCTCATTAACACCATATCACTTCCACACCAATCTCCTTAACTC-3'
Protein context (NP_001007554.1, residues 479-499): GSTSPQIGDK[Val489Phe]EFSISDKQRP